The following is an entry in ClinVar:

NM_004260.4(RECQL4):c.2024A>G (p.His675Arg)

Gene: RECQL4 (RecQ like helicase 4; minus strand). Cytogenetic location: 8q24.3.
Variant type: single nucleotide variant.
Coding change: c.2024A>G on transcript NM_004260.4 (MANE Select); coding-DNA position 2024, A replaced by G.
Protein change: p.His675Arg; replaces histidine 675 with arginine.
Molecular consequence: missense variant. On other transcripts: non-coding transcript variant (3).
Genome position (GRCh38, 1-based): chr8:144,513,962, T>C on the plus strand (A>G on the coding strand, the complement: RECQL4 is on the minus strand). VCF-style: chr8-144513962-T-C. GRCh37 (hg19) VCF-style: chr8-145739346-T-C.
Other names: c.1928A>G, p.His643Arg (NM_001413017.1, NM_001413020.1); c.2024A>G, p.His675Arg (NM_001413018.1, NM_001413019.1, NM_001413036.1); c.953A>G, p.His318Arg (NM_001413021.1, NM_001413022.1, NM_001413023.1 and 6 more transcripts); c.1895A>G, p.His632Arg (NM_001413025.1); c.887A>G, p.His296Arg (NM_001413027.1, NM_001413030.1, NM_001413032.1 and 1 more transcripts); c.1673A>G, p.His558Arg (NM_001413029.1); c.755A>G, p.His252Arg (NM_001413031.1); c.1892A>G, p.His631Arg (NM_001413033.1); and 4 more; short protein forms H186R, H643R, H558R, H665R, H274R, H296R, H308R, H631R.
Identifiers: ClinVar variation 4628977 (VCV004628977.1).

ClinVar aggregate classification (germline): Uncertain significance (1 of 4 stars; one submission).

Conditions:
Inborn genetic diseases. Identifiers: MedGen C0950123, MeSH D030342.

Submission:

Ambry Genetics
Classification: Uncertain significance for Inborn genetic diseases. Last evaluated: 2025-11-20. Review status: criteria provided, single submitter. Criteria: Ambry Variant Classification Scheme 2023. Collection method: clinical testing. Allele origin: germline.
Comment: The p.H675R variant (also known as c.2024A>G), located in coding exon 12 of the RECQL4 gene, results from an A to G substitution at nucleotide position 2024. The histidine at codon 675 is replaced by arginine, an amino acid with highly similar properties. This amino acid position is conserved. In addition, this alteration is predicted to be tolerated by in silico analysis. Based on the available evidence, the clinical significance of this variant remains unclear.